The following is an entry in ClinVar:

ClinVar aggregate classification (germline): Uncertain significance (1 of 4 stars; one submission).

gnomAD v4.1: 1 of 1,609,214 alleles (0.000062%); highest among the groups gnomAD compares: South Asian, 0.0011%; no homozygotes.

Submission:

GeneDx
Classification: Uncertain significance. Last evaluated: 2026-02-20. Review status: criteria provided, single submitter. Criteria: GeneDx Variant Classification Process June 2021. Collection method: clinical testing. Allele origin: germline.
Comment: Not observed at significant frequency in large population cohorts (gnomAD); In silico analysis suggests that this variant does not alter splicing; Has not been previously published as pathogenic or benign to our knowledge; Reported using an alternate transcript of the gene

NM_000719.7(CACNA1C):c.2853+156C>A

Gene: CACNA1C (calcium voltage-gated channel subunit alpha1 C; plus strand). Cytogenetic location: 12p13.33.
Variant type: single nucleotide variant.
Coding change: c.2853+156C>A on transcript NM_000719.7 (MANE Select); 156 bases into the intron after coding-DNA position 2853, C replaced by A.
Molecular consequence: intron variant. On other transcripts: synonymous variant (11).
Genome position (GRCh38, 1-based): chr12:2,597,445, C>A. VCF-style: chr12-2597445-C-A. GRCh37 (hg19) VCF-style: chr12-2706611-C-A.
Other names: c.2862C>A, p.Gly954= (NM_001129827.2, NM_001129832.2, NM_199460.4); c.2802C>A, p.Gly934= (NM_001129830.3, NM_001129835.2, NM_001129836.2 and 5 more transcripts); c.2853+156C>A (NM_001167624.3, NM_001167623.2, NM_001167625.2 and 7 more transcripts); c.2844+156C>A (NM_001129844.2).
Identifiers: ClinVar variation 5009785 (VCV005009785.1).